The following is an entry in ClinVar:

NM_001378183.1(PIEZO2):c.168G>A (p.Thr56=)

Gene: PIEZO2 (piezo type mechanosensitive ion channel component 2; minus strand). Cytogenetic location: 18p11.21.
Variant type: single nucleotide variant.
Coding change: c.168G>A on transcript NM_001378183.1 (MANE Select); coding-DNA position 168, G replaced by A.
Protein change: p.Thr56=; no amino-acid change (threonine 56 retained).
Molecular consequence: synonymous variant.
Genome position (GRCh38, 1-based): chr18:10,979,653, C>T on the plus strand (G>A on the coding strand, the complement: PIEZO2 is on the minus strand). VCF-style: chr18-10979653-C-T. GRCh37 (hg19) VCF-style: chr18-10979651-C-T.
Other names: c.168G>A, p.Thr56= (NM_022068.4).
Identifiers: ClinVar variation 724792 (VCV000724792.12), dbSNP rs111734604, ClinGen allele CA8892874.
Genomic context (GRCh38, chr18:10,979,653, plus strand): 5'-AATGATGTGCAGCAACAGGAAGGAAAGACTGATGAAGCACAGAGACTTTAATAACCGTCC[C>T]GTATGTCCTAAGGGATAAAAAGTGCAGAGATTGTGAGAGAGCTTAAGATGAAACACACTG-3'
Protein context (NP_001365112.1, residues 46-66): EPTKTTMQGH[Thr56=]GRLLKSLCFI

ClinVar aggregate classification (germline): Likely benign. Review status: criteria provided, multiple submitters, no conflicts (2 of 4 stars). 2 submissions from 2 submitters: Likely benign (2). Last evaluated 2026-02-01.

Allele frequency attached by ClinVar (database versions not stated): 1000 Genomes Project 0.00180; 1000 Genomes Project 30x 0.00203; ESP Exome Variant Server 0.00219; gnomAD exomes 0.00017 and 0.00026; ExAC 0.00054; gnomAD 0.00110 and 0.00113; TOPMed 0.00129.
gnomAD v4.1: 403 of 1,534,188 alleles (0.026%); highest among the groups gnomAD compares: African/African-American, 0.39%; 4 homozygotes.

Submissions (2):

CeGaT Center for Human Genetics Tuebingen
Classification: Likely benign. Last evaluated: 2026-02-01. Review status: criteria provided, single submitter. Criteria: CeGaT Center For Human Genetics Tuebingen Variant Classification Criteria Version 2. Collection method: clinical testing. Allele origin: germline. Affected: yes. Observed: 1 variant allele.
Comment: PIEZO2: BP4, BP7

Labcorp Genetics (formerly Invitae), Labcorp
Classification: Likely benign. Last evaluated: 2025-08-16. Review status: criteria provided, single submitter. Criteria: Invitae Variant Classification Sherloc (09022015). Collection method: clinical testing. Allele origin: germline.